The following is an entry in ClinVar:

NM_001394062.1(MACF1):c.17054T>G (p.Val5685Gly)

Gene: MACF1 (microtubule actin crosslinking factor 1; plus strand). Cytogenetic location: 1p34.3.
Variant type: single nucleotide variant.
Coding change: c.17054T>G on transcript NM_001394062.1 (MANE Select); coding-DNA position 17054, T replaced by G.
Protein change: p.Val5685Gly; replaces valine 5685 with glycine.
Molecular consequence: missense variant.
Genome position (GRCh38, 1-based): chr1:39,429,992, T>G. VCF-style: chr1-39429992-T-G. GRCh37 (hg19) VCF-style: chr1-39895664-T-G.
Other names: c.10868T>G, p.Val3623Gly (NM_012090.5); short protein forms V3623G, V5685G.
Identifiers: ClinVar variation 1310311 (VCV001310311.3), dbSNP rs1199629352, ClinGen allele CA339800401.

ClinVar aggregate classification (germline): Uncertain significance (1 of 4 stars; one submission).

Allele frequency attached by ClinVar (database versions not stated): TOPMed 0.00001.

Submission:

GeneDx
Classification: Uncertain significance. Last evaluated: 2024-05-07. Review status: criteria provided, single submitter. Criteria: GeneDx Variant Classification Process June 2021. Collection method: clinical testing. Allele origin: germline. Affected: yes.
Comment: Not observed at significant frequency in large population cohorts (gnomAD); In silico analysis supports that this missense variant has a deleterious effect on protein structure/function; De novo variant in a patient with autism in published literature; however, additional clinical information was not provided (PMID: 35982159); This variant is associated with the following publications: (PMID: 35982159)